The following is an entry in ClinVar:

ClinVar aggregate classification (germline): Uncertain significance (1 of 4 stars; one submission).

Conditions:
LAMA2-related muscular dystrophy (LAMA2-RD). Also called: Laminin alpha 2-related dystrophy. Identifiers: MedGen C5679788, MONDO:0100228.

Allele frequency attached by ClinVar (database versions not stated): gnomAD exomes below 0.00001; ExAC 0.00001; gnomAD 0.00001; TOPMed 0.00001.
gnomAD v4.1: 2 of 1,612,712 alleles (0.00012%); highest among the groups gnomAD compares: Non-Finnish European, 0.00017%; no homozygotes.

Submission:

Labcorp Genetics (formerly Invitae), Labcorp
Classification: Uncertain significance for LAMA2-related muscular dystrophy. Last evaluated: 2022-06-22. Review status: criteria provided, single submitter. Criteria: Invitae Variant Classification Sherloc (09022015). Collection method: clinical testing. Allele origin: germline.
Comment: This sequence change replaces serine, which is neutral and polar, with proline, which is neutral and non-polar, at codon 2087 of the LAMA2 protein (p.Ser2087Pro). This variant is not present in population databases (gnomAD no frequency). This variant has not been reported in the literature in individuals affected with LAMA2-related conditions. Advanced modeling of protein sequence and biophysical properties (such as structural, functional, and spatial information, amino acid conservation, physicochemical variation, residue mobility, and thermodynamic stability) performed at Invitae indicates that this missense variant is not expected to disrupt LAMA2 protein function. In summary, the available evidence is currently insufficient to determine the role of this variant in disease. Therefore, it has been classified as a Variant of Uncertain Significance.

NM_000426.4(LAMA2):c.6259T>C (p.Ser2087Pro)

Genes: LAMA2 (laminin subunit alpha 2; plus strand), LOC123864065 (Sharpr-MPRA regulatory region 661; plus strand). Cytogenetic location: 6q22.33.
Variant type: single nucleotide variant.
Coding change: c.6259T>C on transcript NM_000426.4 (MANE Select); coding-DNA position 6259, T replaced by C.
Protein change: p.Ser2087Pro; replaces serine 2087 with proline.
Molecular consequence: missense variant.
Genome position (GRCh38, 1-based): chr6:129,440,989, T>C. VCF-style: chr6-129440989-T-C. GRCh37 (hg19) VCF-style: chr6-129762134-T-C.
Other names: c.6259T>C, p.Ser2087Pro (NM_001079823.2); short protein forms S2087P.
Identifiers: ClinVar variation 1972550 (VCV001972550.2), dbSNP rs764376457, ClinGen allele CA3994148.